The following is an entry in ClinVar:

ClinVar aggregate classification (germline): Uncertain significance. Review status: criteria provided, multiple submitters, no conflicts (2 of 4 stars). 2 submissions from 2 submitters: Uncertain significance (2). Last evaluated 2023-11-14.

Conditions:
Hereditary cancer-predisposing syndrome. Also called: Neoplastic Syndromes, Hereditary; Hereditary Cancer Syndrome; Hereditary neoplastic syndrome; Tumor predisposition. Identifiers: Orphanet 140162, MedGen C0027672, MeSH D009386, MONDO:0015356.
Familial cancer of breast. Also called: Hereditary breast cancer; hereditary breast carcinoma; BREAST CANCER, FAMILIAL. Identifiers: Orphanet 227535, MedGen C0346153, MONDO:0016419, OMIM 114480. Disease mechanism: loss of function.

Submissions (2):

Labcorp Genetics (formerly Invitae), Labcorp
Classification: Uncertain significance for Familial cancer of breast. Last evaluated: 2023-11-14. Review status: criteria provided, single submitter. Criteria: Invitae Variant Classification Sherloc (09022015). Collection method: clinical testing. Allele origin: germline.
Comment: This sequence change replaces isoleucine, which is neutral and non-polar, with methionine, which is neutral and non-polar, at codon 1013 of the PALB2 protein (p.Ile1013Met). This variant is not present in population databases (gnomAD no frequency). This variant has not been reported in the literature in individuals affected with PALB2-related conditions. ClinVar contains an entry for this variant (Variation ID: 2561288). Advanced modeling of protein sequence and biophysical properties (such as structural, functional, and spatial information, amino acid conservation, physicochemical variation, residue mobility, and thermodynamic stability) performed at Invitae indicates that this missense variant is expected to disrupt PALB2 protein function with a positive predictive value of 80%. In summary, the available evidence is currently insufficient to determine the role of this variant in disease. Therefore, it has been classified as a Variant of Uncertain Significance.

Ambry Genetics
Classification: Uncertain significance for Hereditary cancer-predisposing syndrome. Last evaluated: 2023-05-06. Review status: criteria provided, single submitter. Criteria: Ambry Variant Classification Scheme 2023. Collection method: clinical testing. Allele origin: germline.
Comment: The p.I1013M variant (also known as c.3039A>G), located in coding exon 10 of the PALB2 gene, results from an A to G substitution at nucleotide position 3039. The isoleucine at codon 1013 is replaced by methionine, an amino acid with highly similar properties. This amino acid position is conserved. In addition, this alteration is predicted to be tolerated by in silico analysis. Since supporting evidence is limited at this time, the clinical significance of this alteration remains unclear.

NM_024675.4(PALB2):c.3039A>G (p.Ile1013Met)

Gene: PALB2 (partner and localizer of BRCA2; minus strand). Cytogenetic location: 16p12.2.
Variant type: single nucleotide variant.
Coding change: c.3039A>G on transcript NM_024675.4 (MANE Select); coding-DNA position 3039, A replaced by G.
Protein change: p.Ile1013Met; replaces isoleucine 1013 with methionine.
Molecular consequence: missense variant. On other transcripts: intron variant (1).
Genome position (GRCh38, 1-based): chr16:23,621,436, T>C on the plus strand (A>G on the coding strand, the complement: PALB2 is on the minus strand). VCF-style: chr16-23621436-T-C. GRCh37 (hg19) VCF-style: chr16-23632757-T-C.
Other names: c.2979A>G, p.Ile993Met (NM_001407296.1); c.2967A>G, p.Ile989Met (NM_001407297.1); c.2877A>G, p.Ile959Met (NM_001407298.1, NM_001407302.1); c.3039A>G, p.Ile1013Met (NM_001407299.1, NM_001407301.1); c.2154A>G, p.Ile718Met (NM_001407304.1, NM_001407305.1, NM_001407306.1 and 4 more transcripts); c.1992A>G, p.Ile664Met (NM_001407307.1); c.1251A>G, p.Ile417Met (NM_001407312.1, NM_001407313.1); c.573A>G, p.Ile191Met (NM_001407314.1); and 1 more; short protein forms I417M, I664M, I718M, I959M, I1013M, I989M, I993M, I191M.
Identifiers: ClinVar variation 2561288 (VCV002561288.5), dbSNP rs1966771316, ClinGen allele CA395143053.